The following is an entry in ClinVar:

ClinVar aggregate classification (germline): Uncertain significance. Review status: criteria provided, single submitter (1 of 4 stars). 2 submissions from 2 submitters: Uncertain significance (1). 1 of the submissions does not count toward it. Last evaluated 2021-07-14.

Conditions:
PDZD2-related disorder. Also called: PDZD2-related condition.

Allele frequency attached by ClinVar (database versions not stated): TOPMed 0.00006; gnomAD 0.00013; ESP Exome Variant Server 0.00015; 1000 Genomes Project 0.00040; 1000 Genomes Project 30x 0.00047.
gnomAD v4.1: 281 of 1,614,168 alleles (0.017%); highest among the groups gnomAD compares: South Asian, 0.16%; no homozygotes.

Submissions (2):

Ambry Genetics
Classification: Uncertain significance. Last evaluated: 2021-07-14. Review status: criteria provided, single submitter. Criteria: Ambry Variant Classification Scheme 2023. Collection method: clinical testing. Allele origin: germline.

PreventionGenetics, part of Exact Sciences
Classification: Likely benign for PDZD2-related condition. Last evaluated: 2022-02-26. Review status: no assertion criteria provided. Collection method: clinical testing. Allele origin: germline. Not counted in ClinVar's aggregate classification.
Comment: This variant is classified as likely benign based on ACMG/AMP sequence variant interpretation guidelines (Richards et al. 2015 PMID: 25741868, with internal and published modifications).

NM_178140.4(PDZD2):c.6247C>T (p.Arg2083Cys)

Gene: PDZD2 (PDZ domain containing 2; plus strand). Cytogenetic location: 5p13.3.
Variant type: single nucleotide variant.
Coding change: c.6247C>T on transcript NM_178140.4 (MANE Select); coding-DNA position 6247, C replaced by T.
Protein change: p.Arg2083Cys; replaces arginine 2083 with cysteine.
Molecular consequence: missense variant.
Genome position (GRCh38, 1-based): chr5:32,089,695, C>T. VCF-style: chr5-32089695-C-T. GRCh37 (hg19) VCF-style: chr5-32089801-C-T.
Other names: c.6247C>T (NM_178140.2); short protein forms R2083C.
Identifiers: ClinVar variation 3036920 (VCV003036920.3), dbSNP rs145699471, ClinGen allele CA3220081.
Genomic context (GRCh38, chr5:32,089,695, plus strand): 5'-GCAGACACAGCCCAACCCAGGCCGACTGGCGAAAAAGGAGGCAACATAATGGCCAGCGAT[C>T]GCCTCGAAAGAACAAACCAGCTGAAAATCGTGGAGATTTCTGCTGAAGCAGTGTCAGAGA-3'
Protein context (NP_835260.2, residues 2073-2093): EKGGNIMASD[Arg2083Cys]LERTNQLKIV